The following is an entry in ClinVar:

ClinVar aggregate classification (germline): Pathogenic. Review status: criteria provided, multiple submitters, no conflicts (2 of 4 stars). 2 submissions from 2 submitters: Pathogenic (2). Last evaluated 2024-03-20.

Conditions:
Axenfeld-Rieger syndrome type 3 (RIEG3). Also called: AXENFELD-RIEGER ANOMALY WITH CARDIAC DEFECTS AND/OR SENSORINEURAL HEARING LOSS. Identifiers: Orphanet 782, MedGen C2678503, MONDO:0011233, OMIM 602482.

Allele frequency attached by ClinVar (database versions not stated): TOPMed 0.00001.

Submissions (2):

Labcorp Genetics (formerly Invitae), Labcorp
Classification: Pathogenic for Axenfeld-Rieger syndrome type 3. Last evaluated: 2024-03-20. Review status: criteria provided, single submitter. Criteria: Invitae Variant Classification Sherloc (09022015). Collection method: clinical testing. Allele origin: germline.
Comment: This sequence change replaces arginine, which is basic and polar, with tryptophan, which is neutral and slightly polar, at codon 170 of the FOXC1 protein (p.Arg170Trp). This variant is not present in population databases (gnomAD no frequency). This missense change has been observed in individual(s) with clinical features of FOXC1-related conditions (PMID: 23239455; Invitae). In at least one individual the variant was observed to be de novo. It has also been observed to segregate with disease in related individuals. ClinVar contains an entry for this variant (Variation ID: 660083). An algorithm developed to predict the effect of missense changes on protein structure and function (PolyPhen-2) suggests that this variant is likely to be disruptive. For these reasons, this variant has been classified as Pathogenic.

Genomics, Genetics and Epigenetics Laboratory, Medical College of Wisconsin
Classification: Pathogenic for Axenfeld-Rieger syndrome type 3. Last evaluated: 2022-06-23. Review status: criteria provided, single submitter. Criteria: ACMG Guidelines, 2015. Collection method: research. Allele origin: germline. Affected: yes. Observed: 2 variant alleles.

Literature cited by the submitters: PubMed 23239455 (cited by Labcorp Genetics (formerly Invitae), Labcorp); PubMed 35882526 (cited by Genomics, Genetics and Epigenetics Laboratory, Medical College of Wisconsin).

NM_001453.3(FOXC1):c.508C>T (p.Arg170Trp)

Gene: FOXC1 (forkhead box C1; plus strand). Cytogenetic location: 6p25.3.
Variant type: single nucleotide variant.
Coding change: c.508C>T on transcript NM_001453.3 (MANE Select); coding-DNA position 508, C replaced by T.
Protein change: p.Arg170Trp; replaces arginine 170 with tryptophan.
Molecular consequence: missense variant.
Genome position (GRCh38, 1-based): chr6:1,610,953, C>T. VCF-style: chr6-1610953-C-T. GRCh37 (hg19) VCF-style: chr6-1611188-C-T.
Other names: short protein forms R170W.
Identifiers: ClinVar variation 660083 (VCV000660083.26), dbSNP rs1581373890, ClinGen allele CA362558983.
Genomic context (GRCh38, chr6:1,610,953, plus strand): 5'-AGCTACTGGACGCTGGACCCGGACTCCTACAACATGTTCGAGAACGGCAGCTTCCTGCGG[C>T]GGCGGCGGCGCTTCAAGAAGAAGGACGCGGTGAAGGACAAGGAGGAGAAGGACAGGCTGC-3'
Protein context (NP_001444.2, residues 160-180): NMFENGSFLR[Arg170Trp]RRRFKKKDAV